The following is an entry in ClinVar:

ClinVar aggregate classification (germline): Likely benign. Review status: criteria provided, multiple submitters, no conflicts (2 of 4 stars). 5 submissions from 5 submitters: Likely benign (4). 1 of the submissions does not count toward it. Last evaluated 2025-11-18.

Conditions:
Cardiomyopathy (CMYO). Also called: Cardiomyopathies. Identifiers: Orphanet 167848, MedGen C0878544, MONDO:0004994, HP:0001638. Inheritance: Various modes of inheritance.
Hypertrophic cardiomyopathy. Also called: HYPERTROPHIC MYOCARDIOPATHY. Identifiers: Orphanet 217569, MedGen C0007194, MeSH D002312, MONDO:0005045, HP:0001639.
Cardiovascular phenotype. Identifiers: MedGen CN230736.
MYH7-related disorder. Also called: MYH7-related condition; MYH7-related disease; MYH7-related disorders.

Allele frequency attached by ClinVar (database versions not stated): TOPMed 0.00001.
gnomAD v4.1: 21 of 1,614,020 alleles (0.0013%); highest among the groups gnomAD compares: African/African-American, 0.0053%; no homozygotes.

Submissions (5):

Labcorp Genetics (formerly Invitae), Labcorp
Classification: Likely benign for Hypertrophic cardiomyopathy. Last evaluated: 2025-11-18. Review status: criteria provided, single submitter. Criteria: Invitae Variant Classification Sherloc (09022015). Collection method: clinical testing. Allele origin: germline.

All of Us Research Program, National Institutes of Health
Classification: Likely benign for Cardiomyopathy. Last evaluated: 2023-02-10. Review status: criteria provided, single submitter. Criteria: ACMG Guidelines, 2015. Collection method: clinical testing. Allele origin: germline. Inheritance: Autosomal dominant inheritance. Observed: 1 variant allele, 1 heterozygote.
Comment: This study involves interpretation of variants in research participants for the purpose of population health screening. Participant phenotype was not available at the time of variant classification. Additional details can be found in publication PMID: 35346344, PMCID: PMC8962531

Color Diagnostics, LLC DBA Color Health
Classification: Likely benign for Cardiomyopathy. Last evaluated: 2019-05-15. Review status: criteria provided, single submitter. Criteria: ACMG Guidelines, 2015. Collection method: clinical testing. Allele origin: germline.

Ambry Genetics
Classification: Likely benign for Cardiovascular phenotype. Last evaluated: 2018-06-25. Review status: criteria provided, single submitter. Criteria: Ambry Variant Classification Scheme 2023. Collection method: clinical testing. Allele origin: germline.

PreventionGenetics, part of Exact Sciences
Classification: Likely benign for MYH7-related condition. Last evaluated: 2020-10-23. Review status: no assertion criteria provided. Collection method: clinical testing. Allele origin: germline. Not counted in ClinVar's aggregate classification.
Comment: This variant is classified as likely benign based on ACMG/AMP sequence variant interpretation guidelines (Richards et al. 2015 PMID: 25741868, with internal and published modifications).

NM_000257.4(MYH7):c.5070C>T (p.Ala1690=)

Genes: MHRT (myosin heavy chain associated RNA transcript; plus strand), MYH7 (myosin heavy chain 7; minus strand), LOC126861897 (BRD4-independent group 4 enhancer GRCh37_chr14:23884455-23885654; plus strand). Cytogenetic location: 14q11.2.
Variant type: single nucleotide variant.
Coding change: c.5070C>T on transcript NM_000257.4 (MANE Select); coding-DNA position 5070, C replaced by T.
Protein change: p.Ala1690=; no amino-acid change (alanine 1690 retained).
Molecular consequence: synonymous variant. On other transcripts: non-coding transcript variant (1).
Genome position (GRCh38, 1-based): chr14:23,415,716, G>A on the plus strand (C>T on the coding strand, the complement: MYH7 is on the minus strand). VCF-style: chr14-23415716-G-A. GRCh37 (hg19) VCF-style: chr14-23884925-G-A.
Identifiers: ClinVar variation 743955 (VCV000743955.15), dbSNP rs764844610, ClinGen allele CA045212.